The following is an entry in ClinVar:

NM_015015.3(KDM4B):c.822C>T (p.Tyr274=)

Gene: KDM4B (lysine demethylase 4B; plus strand). Cytogenetic location: 19p13.3.
Variant type: single nucleotide variant.
Coding change: c.822C>T on transcript NM_015015.3 (MANE Select); coding-DNA position 822, C replaced by T.
Protein change: p.Tyr274=; no amino-acid change (tyrosine 274 retained).
Molecular consequence: synonymous variant.
Genome position (GRCh38, 1-based): chr19:5,082,408, C>T. VCF-style: chr19-5082408-C-T. GRCh37 (hg19) VCF-style: chr19-5082419-C-T.
Other names: c.822C>T, p.Tyr274= (NM_001370093.1, NM_001370094.1, NM_001411148.1).
Identifiers: ClinVar variation 4821586 (VCV004821586.4).

ClinVar aggregate classification (germline): Likely benign (1 of 4 stars; one submission).

gnomAD v4.1: 113 of 1,613,656 alleles (0.007%); highest among the groups gnomAD compares: South Asian, 0.034%; no homozygotes.

Submission:

CeGaT Center for Human Genetics Tuebingen
Classification: Likely benign. Last evaluated: 2026-01-01. Review status: criteria provided, single submitter. Criteria: CeGaT Center For Human Genetics Tuebingen Variant Classification Criteria Version 2. Collection method: clinical testing. Allele origin: germline. Affected: yes. Observed: 1 variant allele.
Comment: KDM4B: BP4, BP7